The following is an entry in ClinVar:

ClinVar aggregate classification (germline): Conflicting classifications of pathogenicity. Review status: criteria provided, conflicting classifications (1 of 4 stars). 6 submissions from 6 submitters: Uncertain significance (1); Benign (1); Likely benign (4). Last evaluated 2025-09-17.

Conditions:
Inborn genetic diseases. Identifiers: MedGen C0950123, MeSH D030342.
Hereditary sensory neuropathy-deafness-dementia syndrome. Also called: HSN IE; Hereditary sensory neuropathy type IE; NEUROPATHY, HEREDITARY SENSORY, WITH HEARING LOSS AND DEMENTIA; Hereditary Sensory and Autonomic Neuropathy Type 1E (HSAN1E). Identifiers: Orphanet 456318, MedGen C3279885, MONDO:0013584, OMIM 614116.

Allele frequency attached by ClinVar (database versions not stated): ESP Exome Variant Server 0.00008; TOPMed 0.00010; gnomAD 0.00011; ExAC 0.00012; gnomAD exomes 0.00020.
gnomAD v4.1: 165 of 1,614,078 alleles (0.01%); highest among the groups gnomAD compares: Non-Finnish European, 0.0019%; 1 homozygote.

Submissions (6):

Labcorp Genetics (formerly Invitae), Labcorp
Classification: Likely benign for Hereditary sensory neuropathy-deafness-dementia syndrome. Last evaluated: 2025-09-17. Review status: criteria provided, single submitter. Criteria: Invitae Variant Classification Sherloc (09022015). Collection method: clinical testing. Allele origin: germline.

Blueprint Genetics
Classification: Likely benign. Last evaluated: 2023-03-29. Review status: criteria provided, single submitter. Criteria: ACMG Guidelines, 2015. Collection method: clinical testing. Allele origin: germline.

GeneDx
Classification: Likely benign. Last evaluated: 2020-12-22. Review status: criteria provided, single submitter. Criteria: GeneDx Variant Classification Process June 2021. Collection method: clinical testing. Allele origin: germline. Affected: yes.

Ambry Genetics
Classification: Likely benign for Inborn genetic diseases. Last evaluated: 2020-01-15. Review status: criteria provided, single submitter. Criteria: Ambry Variant Classification Scheme 2023. Collection method: clinical testing. Allele origin: germline.

ARUP Laboratories, Molecular Genetics and Genomics, ARUP Laboratories
Classification: Uncertain significance. Last evaluated: 2018-02-02. Review status: criteria provided, single submitter. Criteria: ARUP Molecular Germline Variant Investigation Process. Collection method: clinical testing. Allele origin: germline.
Comment: The DNMT1 c.868G>A p.Glu290Lys variant (rs200024502), to our knowledge, is not reported in the medical literature, gene specific variation databases, nor has it been previously identified by our laboratory. This variant is listed in the genome Aggregation Database (gnomAD) with an overall population frequency of 0.02% (identified on 47 out of 246,268 chromosomes), and is classified as a variant of unknown significance in ClinVar (ID: 246059). The glutamic acid at position 290 is moderately conserved, considering 12 species, and computational analyses of the effects of the p.Glu290Lys variant on protein structure and function do not predict a deleterious effect (SIFT: tolerated, MutationTaster: polymorphism, PolyPhen-2: benign). Based on the available information, the clinical significance of the p.Glu290Lys variant cannot be determined with certainty.

Illumina Laboratory Services, Illumina
Classification: Benign for Hereditary sensory neuropathy-deafness-dementia syndrome. Last evaluated: 2017-04-27. Review status: criteria provided, single submitter. Criteria: ICSL Variant Classification Criteria 13 December 2019. Collection method: clinical testing. Allele origin: germline.
Comment: This variant was observed as part of a predisposition screen in an ostensibly healthy population. A literature search was performed for the gene, cDNA change, and amino acid change (where applicable). No publications were found based on this search. Allele frequency data from public databases was too high to be consistent with this variant causing disease. Therefore, this variant is classified as benign.

NM_001130823.3(DNMT1):c.868G>A (p.Glu290Lys)

Gene: DNMT1 (DNA methyltransferase 1; minus strand). Cytogenetic location: 19p13.2.
Variant type: single nucleotide variant.
Coding change: c.868G>A on transcript NM_001130823.3 (MANE Select); coding-DNA position 868, G replaced by A.
Protein change: p.Glu290Lys; replaces glutamic acid 290 with lysine.
Molecular consequence: missense variant.
Genome position (GRCh38, 1-based): chr19:10,166,621, C>T on the plus strand (G>A on the coding strand, the complement: DNMT1 is on the minus strand). VCF-style: chr19-10166621-C-T. GRCh37 (hg19) VCF-style: chr19-10277297-C-T.
Other names: c.868G>A (LRG_362t1); c.820G>A, p.Glu274Lys (NM_001318730.2, NM_001379.4); c.505G>A, p.Glu169Lys (NM_001318731.2); short protein forms E290K, E169K, E274K.
Identifiers: ClinVar variation 246059 (VCV000246059.26), dbSNP rs200024502, ClinGen allele CA9188556.